The following is an entry in ClinVar:

NM_022166.4(XYLT1):c.1154C>T (p.Pro385Leu)

Gene: XYLT1 (xylosyltransferase 1; minus strand). Cytogenetic location: 16p12.3.
Variant type: single nucleotide variant.
Coding change: c.1154C>T on transcript NM_022166.4 (MANE Select); coding-DNA position 1154, C replaced by T.
Protein change: p.Pro385Leu; replaces proline 385 with leucine.
Molecular consequence: missense variant.
Genome position (GRCh38, 1-based): chr16:17,198,347, G>A on the plus strand (C>T on the coding strand, the complement: XYLT1 is on the minus strand). VCF-style: chr16-17198347-G-A. GRCh37 (hg19) VCF-style: chr16-17292204-G-A.
Other names: short protein forms P385L.
Identifiers: ClinVar variation 773305 (VCV000773305.32), dbSNP rs36098987, ClinGen allele CA7927997.

ClinVar aggregate classification (germline): Likely benign. Review status: criteria provided, multiple submitters, no conflicts (2 of 4 stars). 8 submissions from 8 submitters: Likely benign (4). 4 of the submissions do not count toward it. Last evaluated 2026-01-26.

Conditions:
Desbuquois dysplasia 1 (DBQD1). Also called: MICROMELIC DWARFISM WITH VERTEBRAL AND METAPHYSEAL ABNORMALITIES AND ADVANCED CARPOTARSAL OSSIFICATION; DESBUQUOIS DYSPLASIA 1, KIM VARIANT. Identifiers: Orphanet 1425, MedGen C4012146, MONDO:0009629, OMIM 251450.
XYLT1-related disorder. Also called: XYLT1-related condition.

Allele frequency attached by ClinVar (database versions not stated): 1000 Genomes Project 30x 0.00141; 1000 Genomes Project 0.00160; gnomAD 0.00293; TOPMed 0.00317; ESP Exome Variant Server 0.00439.
gnomAD v4.1: 7,903 of 1,614,226 alleles (0.49%); highest among the groups gnomAD compares: Non-Finnish European, 0.59%; 29 homozygotes.

Submissions (8):

Labcorp Genetics (formerly Invitae), Labcorp
Classification: Likely benign for Desbuquois dysplasia 1. Last evaluated: 2026-01-26. Review status: criteria provided, single submitter. Criteria: Invitae Variant Classification Sherloc (09022015). Collection method: clinical testing. Allele origin: germline.

CeGaT Center for Human Genetics Tuebingen
Classification: Likely benign. Last evaluated: 2026-01-01. Review status: criteria provided, single submitter. Criteria: CeGaT Center For Human Genetics Tuebingen Variant Classification Criteria Version 2. Collection method: clinical testing. Allele origin: germline. Affected: yes. Observed: 4 variant alleles.
Comment: XYLT1: BS2

Blueprint Genetics
Classification: Likely benign. Last evaluated: 2024-11-21. Review status: criteria provided, single submitter. Criteria: ACMG Guidelines, 2015. Collection method: clinical testing. Allele origin: germline.

Breakthrough Genomics
Classification: Likely benign. Review status: criteria provided, single submitter. Criteria: ACMG Guidelines, 2015. Collection method: not provided. Allele origin: germline. Inheritance: Autosomal recessive inheritance. Affected: yes.

PreventionGenetics, part of Exact Sciences
Classification: Likely benign for XYLT1-related condition. Last evaluated: 2019-05-23. Review status: no assertion criteria provided. Collection method: clinical testing. Allele origin: germline. Not counted in ClinVar's aggregate classification.
Comment: This variant is classified as likely benign based on ACMG/AMP sequence variant interpretation guidelines (Richards et al. 2015 PMID: 25741868, with internal and published modifications).

Clinical Genetics DNA and cytogenetics Diagnostics Lab, Erasmus MC, Erasmus Medical Center
Classification: Likely benign. Review status: no assertion criteria provided. Collection method: clinical testing. Allele origin: germline. Affected: yes. Study: VKGL Data-share Consensus. Not counted in ClinVar's aggregate classification.

Genome Diagnostics Laboratory, Amsterdam University Medical Center
Classification: Benign. Review status: no assertion criteria provided. Collection method: clinical testing. Allele origin: germline. Affected: yes. Study: VKGL Data-share Consensus. Not counted in ClinVar's aggregate classification.

Laboratory of Diagnostic Genome Analysis, Leiden University Medical Center (LUMC)
Classification: Likely benign. Review status: no assertion criteria provided. Collection method: clinical testing. Allele origin: germline. Affected: yes. Study: VKGL Data-share Consensus. Not counted in ClinVar's aggregate classification.